The following is an entry in ClinVar:

NM_182746.3(MCM4):c.1319T>A (p.Leu440His)

Gene: MCM4 (minichromosome maintenance complex component 4; plus strand). Cytogenetic location: 8q11.21.
Variant type: single nucleotide variant.
Coding change: c.1319T>A on transcript NM_182746.3 (MANE Select); coding-DNA position 1319, T replaced by A.
Protein change: p.Leu440His; replaces leucine 440 with histidine.
Molecular consequence: missense variant.
Genome position (GRCh38, 1-based): chr8:47,969,942, T>A. VCF-style: chr8-47969942-T-A. GRCh37 (hg19) VCF-style: chr8-48882502-T-A.
Other names: c.1319T>A, p.Leu440His (NM_005914.4); short protein forms L440H.
Identifiers: ClinVar variation 3646425 (VCV003646425.2).

ClinVar aggregate classification (germline): Uncertain significance (1 of 4 stars; one submission).

Submission:

Labcorp Genetics (formerly Invitae), Labcorp
Classification: Uncertain significance. Last evaluated: 2025-02-03. Review status: criteria provided, single submitter. Criteria: Invitae Variant Classification Sherloc (09022015). Collection method: clinical testing. Allele origin: germline.
Comment: This sequence change replaces leucine, which is neutral and non-polar, with histidine, which is basic and polar, at codon 440 of the MCM4 protein (p.Leu440His). This variant is not present in population databases (gnomAD no frequency). This variant has not been reported in the literature in individuals affected with MCM4-related conditions. Invitae Evidence Modeling of protein sequence and biophysical properties (such as structural, functional, and spatial information, amino acid conservation, physicochemical variation, residue mobility, and thermodynamic stability) indicates that this missense variant is not expected to disrupt MCM4 protein function with a negative predictive value of 80%. In summary, the available evidence is currently insufficient to determine the role of this variant in disease. Therefore, it has been classified as a Variant of Uncertain Significance.